The following is an entry in ClinVar:

NM_000465.4(BARD1):c.51G>C (p.Gly17=)

Gene: BARD1 (BRCA1 associated RING domain 1; minus strand). Cytogenetic location: 2q35.
Variant type: single nucleotide variant.
Coding change: c.51G>C on transcript NM_000465.4 (MANE Select); coding-DNA position 51, G replaced by C.
Protein change: p.Gly17=; no amino-acid change (glycine 17 retained).
Molecular consequence: synonymous variant. On other transcripts: non-coding transcript variant (3).
Genome position (GRCh38, 1-based): chr2:214,809,519, C>G on the plus strand (G>C on the coding strand, the complement: BARD1 is on the minus strand). VCF-style: chr2-214809519-C-G. GRCh37 (hg19) VCF-style: chr2-215674243-C-G.
Other names: c.51G>C, p.Gly17= (NM_001282543.2, NM_001282545.2, NM_001282548.2 and 1 more transcripts).
Identifiers: ClinVar variation 220204 (VCV000220204.14), dbSNP rs864622419, ClinGen allele CA348848.
Genomic context (GRCh38, chr2:214,809,519, plus strand): 5'-ACTGTGGGCCCAGGCACCGCGACCATCCGGTTCCATGGCGGGCGCGGAACGAGGCTCGTT[C>G]CCGGAGCGGATCCTCGGCTGCCGGTTCCTCGGCTGCCGATTATCCGGCATCGTCCCGCCT-3'
Protein context (NP_000456.2, residues 7-27): PRNRQPRIRS[Gly17=]NEPRSAPAME

ClinVar aggregate classification (germline): Benign/Likely benign. Review status: criteria provided, multiple submitters, no conflicts (2 of 4 stars). 3 submissions from 3 submitters: Benign (1); Likely benign (2). Last evaluated 2025-11-13.

Conditions:
Hereditary cancer-predisposing syndrome. Also called: Hereditary neoplastic syndrome; Tumor predisposition; Hereditary Cancer Syndrome; Neoplastic Syndromes, Hereditary. Identifiers: Orphanet 140162, MedGen C0027672, MeSH D009386, MONDO:0015356.
Familial cancer of breast. Also called: hereditary breast carcinoma; Hereditary breast cancer; BREAST CANCER, FAMILIAL. Identifiers: Orphanet 227535, MedGen C0346153, MONDO:0016419, OMIM 114480. Disease mechanism: loss of function.

Allele frequency attached by ClinVar (database versions not stated): gnomAD exomes below 0.00001.
gnomAD v4.1: 2 of 1,594,754 alleles (0.00013%); highest among the groups gnomAD compares: East Asian, 0.0023%; no homozygotes.

Submissions (3):

Labcorp Genetics (formerly Invitae), Labcorp
Classification: Likely benign for Familial cancer of breast. Last evaluated: 2025-11-13. Review status: criteria provided, single submitter. Criteria: Invitae Variant Classification Sherloc (09022015). Collection method: clinical testing. Allele origin: germline.

Myriad Genetics, Inc.
Classification: Benign for Familial cancer of breast. Last evaluated: 2024-07-18. Review status: criteria provided, single submitter. Criteria: Myriad Autosomal Dominant, Autosomal Recessive and X-Linked Classification Criteria (2023). Collection method: clinical testing. Allele origin: unknown.
Comment: This variant is considered benign. This variant is a silent/synonymous amino acid change and it is not expected to impact splicing.

Ambry Genetics
Classification: Likely benign for Hereditary cancer-predisposing syndrome. Last evaluated: 2023-08-31. Review status: criteria provided, single submitter. Criteria: Ambry Variant Classification Scheme 2023. Collection method: clinical testing. Allele origin: germline.